The following is an entry in ClinVar:

NM_016239.4(MYO15A):c.1454T>C (p.Val485Ala)

Gene: MYO15A (myosin XVA; plus strand). Cytogenetic location: 17p11.2.
Variant type: single nucleotide variant.
Coding change: c.1454T>C on transcript NM_016239.4 (MANE Select); coding-DNA position 1454, T replaced by C.
Protein change: p.Val485Ala; replaces valine 485 with alanine.
Molecular consequence: missense variant.
Genome position (GRCh38, 1-based): chr17:18,120,254, T>C. VCF-style: chr17-18120254-T-C. GRCh37 (hg19) VCF-style: chr17-18023568-T-C.
Other names: short protein forms V485A.
Identifiers: ClinVar variation 195313 (VCV000195313.53), dbSNP rs200532919, ClinGen allele CA241686.

ClinVar aggregate classification (germline): Conflicting classifications of pathogenicity. Review status: criteria provided, conflicting classifications (1 of 4 stars). 10 submissions from 10 submitters: Uncertain significance (5); Likely benign (4). 1 of the submissions does not count toward it. Last evaluated 2026-08-01.

Conditions:
MYO15A-related disorder. Also called: MYO15A-related condition.
Autosomal recessive nonsyndromic hearing loss 3. Also called: NEUROSENSORY NONSYNDROMIC RECESSIVE DEAFNESS 3. Identifiers: Orphanet 90636, MedGen C1838263, MONDO:0010860, OMIM 600316.

Allele frequency attached by ClinVar (database versions not stated): 1000 Genomes Project 30x 0.00031; 1000 Genomes Project 0.00040; gnomAD 0.00079 and 0.00089; gnomAD exomes 0.00087 and 0.00103; ESP Exome Variant Server 0.00088; ExAC 0.00090; TOPMed 0.00104.
gnomAD v4.1: 1,421 of 1,612,074 alleles (0.088%); highest among the groups gnomAD compares: Middle Eastern, 0.38%; 7 homozygotes.

Submissions (10):

CeGaT Center for Human Genetics Tuebingen
Classification: Likely benign. Last evaluated: 2026-08-01. Review status: criteria provided, single submitter. Criteria: CeGaT Center For Human Genetics Tuebingen Variant Classification Criteria Version 2. Collection method: clinical testing. Allele origin: germline. Affected: yes. Observed: 5 variant alleles.
Comment: MYO15A: BS2

Labcorp Genetics (formerly Invitae), Labcorp
Classification: Likely benign. Last evaluated: 2026-01-21. Review status: criteria provided, single submitter. Criteria: Invitae Variant Classification Sherloc (09022015). Collection method: clinical testing. Allele origin: germline.

Blueprint Genetics
Classification: Uncertain significance. Last evaluated: 2024-10-30. Review status: criteria provided, single submitter. Criteria: ACMG Guidelines, 2015. Collection method: clinical testing. Allele origin: germline.

Mayo Clinic Laboratories, Mayo Clinic
Classification: Uncertain significance. Last evaluated: 2024-10-16. Review status: criteria provided, single submitter. Criteria: ACMG Guidelines, 2015. Collection method: clinical testing. Allele origin: germline. Observed: 1 variant allele.
Comment: BS1_supporting, PM3_supporting

GeneDx
Classification: Likely benign. Last evaluated: 2020-10-15. Review status: criteria provided, single submitter. Criteria: GeneDx Variant Classification Process June 2021. Collection method: clinical testing. Allele origin: germline. Affected: yes.
Comment: This variant is associated with the following publications: (PMID: 27375115, 31898538, 26445815, 30245029, 30755392)

Center for Personalized Medicine, Children's Hospital Los Angeles
Classification: Uncertain significance. Last evaluated: 2018-11-19. Review status: criteria provided, single submitter. Criteria: ACMG Guidelines, 2015. Collection method: clinical testing. Allele origin: germline. Affected: yes.

Illumina Laboratory Services, Illumina
Classification: Uncertain significance for Autosomal recessive nonsyndromic hearing loss 3. Last evaluated: 2017-08-01. Review status: criteria provided, single submitter. Criteria: ICSL Variant Classification Criteria 13 December 2019. Collection method: clinical testing. Allele origin: germline.
Comment: This variant was observed as part of a predisposition screen in an ostensibly healthy population. A literature search was performed for the gene, cDNA change, and amino acid change (where applicable). Publications were found based on this search. However, the evidence from the literature, in combination with allele frequency data from public databases where available, was not sufficient to rule this variant in or out of causing disease. Therefore, this variant is classified as a variant of unknown significance.

Laboratory for Molecular Medicine, Mass General Brigham Personalized Medicine
Classification: Likely benign. Last evaluated: 2017-03-28. Review status: criteria provided, single submitter. Criteria: LMM Criteria. Collection method: clinical testing. Allele origin: germline. Observed: 2 variant alleles.
Comment: p.Val485Ala in exon 2 of MYO15A: This variant is is not expected to have clinica l significance because it has been identified in 0.6% (61/10108) Ashkenazi Jewis h chromosomes by the Genome Aggregation Database (gnomAD; dbSNP rs200532919).

Eurofins Ntd Llc (ga)
Classification: Uncertain significance. Last evaluated: 2014-12-19. Review status: criteria provided, single submitter. Criteria: EGL Classification Definitions 2015. Collection method: clinical testing. Allele origin: germline. Observed: 1 variant allele, 1 heterozygote.

PreventionGenetics, part of Exact Sciences
Classification: Likely benign for MYO15A-related condition. Last evaluated: 2021-04-15. Review status: no assertion criteria provided. Collection method: clinical testing. Allele origin: germline. Not counted in ClinVar's aggregate classification.
Comment: This variant is classified as likely benign based on ACMG/AMP sequence variant interpretation guidelines (Richards et al. 2015 PMID: 25741868, with internal and published modifications).

Literature cited by the submitters: PubMed 26445815 (cited by 3 submitters); PubMed 27375115 (cited by Mayo Clinic Laboratories, Mayo Clinic and Illumina Laboratory Services, Illumina); PubMed 30245029 (cited by Mayo Clinic Laboratories, Mayo Clinic); PubMed 30755392 (cited by Mayo Clinic Laboratories, Mayo Clinic); PubMed 31898538 (cited by Mayo Clinic Laboratories, Mayo Clinic); PubMed 32387678 (cited by Mayo Clinic Laboratories, Mayo Clinic).